The following is an entry in ClinVar:

ClinVar aggregate classification (germline): Conflicting classifications of pathogenicity. Review status: criteria provided, conflicting classifications (1 of 4 stars). 4 submissions from 4 submitters: Uncertain significance (3); Likely benign (1). Last evaluated 2023-11-16.

Conditions:
Hereditary cancer-predisposing syndrome. Also called: Neoplastic Syndromes, Hereditary; Hereditary Cancer Syndrome; Tumor predisposition; Hereditary neoplastic syndrome. Identifiers: Orphanet 140162, MedGen C0027672, MeSH D009386, MONDO:0015356.
Breast-ovarian cancer, familial, susceptibility to, 4. Identifiers: Orphanet 145, MedGen C3280345, MONDO:0013669, OMIM 614291.

Submissions (4):

GeneDx
Classification: Uncertain significance. Last evaluated: 2023-11-16. Review status: criteria provided, single submitter. Criteria: GeneDx Variant Classification Process June 2021. Collection method: clinical testing. Allele origin: germline. Affected: yes.
Comment: Intronic +5 splice site variant predicted to result in skipping of the adjacent exon 3; however, RNA studies demonstrate naturally occurring isoforms lacking exon 3 in multiple tissues (PMID: 28905878, 30623411); Not observed at significant frequency in large population cohorts (gnomAD); Has not been previously published as pathogenic or benign to our knowledge

Baylor Genetics
Classification: Uncertain significance for Breast-ovarian cancer, familial, susceptibility to, 4. Last evaluated: 2022-12-04. Review status: criteria provided, single submitter. Criteria: ACMG Guidelines, 2015. Collection method: clinical testing. Allele origin: unknown.

Labcorp Genetics (formerly Invitae), Labcorp
Classification: Uncertain significance for Breast-ovarian cancer, familial, susceptibility to, 4. Last evaluated: 2022-07-25. Review status: criteria provided, single submitter. Criteria: Invitae Variant Classification Sherloc (09022015). Collection method: clinical testing. Allele origin: germline.
Comment: This sequence change falls in intron 3 of the RAD51D gene. It does not directly change the encoded amino acid sequence of the RAD51D protein. It affects a nucleotide within the consensus splice site. This variant is not present in population databases (gnomAD no frequency). This variant has not been reported in the literature in individuals affected with RAD51D-related conditions. ClinVar contains an entry for this variant (Variation ID: 582731). Variants that disrupt the consensus splice site are a relatively common cause of aberrant splicing (PMID: 17576681, 9536098). Algorithms developed to predict the effect of sequence changes on RNA splicing suggest that this variant may disrupt the consensus splice site. In summary, the available evidence is currently insufficient to determine the role of this variant in disease. Therefore, it has been classified as a Variant of Uncertain Significance.

Ambry Genetics
Classification: Likely benign for Hereditary cancer-predisposing syndrome. Last evaluated: 2019-11-19. Review status: criteria provided, single submitter. Criteria: Ambry Variant Classification Scheme 2023. Collection method: clinical testing. Allele origin: germline.

Literature cited by the submitters: PubMed 17576681 (cited by Labcorp Genetics (formerly Invitae), Labcorp); PubMed 9536098 (cited by Labcorp Genetics (formerly Invitae), Labcorp).

NM_002878.4(RAD51D):c.263+5G>A

Genes: RAD51D (RAD51 paralog D; minus strand), RAD51L3-RFFL (RAD51L3-RFFL readthrough; minus strand). Cytogenetic location: 17q12.
Variant type: single nucleotide variant.
Coding change: c.263+5G>A on transcript NM_002878.4 (MANE Select); 5 bases into the intron after coding-DNA position 263, G replaced by A.
Molecular consequence: intron variant.
Genome position (GRCh38, 1-based): chr17:35,118,496, C>T on the plus strand (G>A on the coding strand, the complement: RAD51D is on the minus strand). VCF-style: chr17-35118496-C-T. GRCh37 (hg19) VCF-style: chr17-33445515-C-T.
Other names: c.144+615G>A (NM_133629.3, NM_001142571.2).
Identifiers: ClinVar variation 582731 (VCV000582731.15), dbSNP rs1567735224, ClinGen allele CA891844070.
Genomic context (GRCh38, chr17:35,118,496, plus strand): 5'-AGCAGAGCTGAGAGGAGGCCCCATCCTCCTGCCTCTCTCCTTCTTCCCCAAGTACACACA[C>T]AAACCTGCCAATGCCAGTGGACAGGATGGCAGTGGAGGTCTTCAGTTCCTCGTAGAGATC-3'